The following is an entry in ClinVar:

ClinVar aggregate classification (germline): Uncertain significance (1 of 4 stars; one submission).

Submission:

CeGaT Center for Human Genetics Tuebingen
Classification: Uncertain significance. Last evaluated: 2023-02-01. Review status: criteria provided, single submitter. Criteria: CeGaT Center For Human Genetics Tuebingen Variant Classification Criteria Version 2. Collection method: clinical testing. Allele origin: germline. Affected: yes. Observed: 1 variant allele.
Comment: REEP1: PM2, PP3, PP4

NM_001371279.1(REEP1):c.275T>A (p.Val92Glu)

Gene: REEP1 (receptor accessory protein 1; minus strand). Cytogenetic location: 2p11.2.
Variant type: single nucleotide variant.
Coding change: c.275T>A on transcript NM_001371279.1 (MANE Select); coding-DNA position 275, T replaced by A.
Protein change: p.Val92Glu; replaces valine 92 with glutamic acid.
Molecular consequence: missense variant. On other transcripts: intron variant (1).
Genome position (GRCh38, 1-based): chr2:86,254,722, A>T on the plus strand (T>A on the coding strand, the complement: REEP1 is on the minus strand). VCF-style: chr2-86254722-A-T. GRCh37 (hg19) VCF-style: chr2-86481845-A-T.
Other names: c.275T>A, p.Val92Glu (NM_001371280.1, NM_001410855.1, NM_001410856.1 and 1 more transcripts); c.182+9243T>A (NM_001164732.2); c.296T>A, p.Val99Glu (NM_001164730.2); c.194T>A, p.Val65Glu (NM_001164731.2); short protein forms V65E, V92E, V99E.
Identifiers: ClinVar variation 2498827 (VCV002498827.28), dbSNP rs2468841912, ClinGen allele CA347717077.